The following is an entry in ClinVar:

ClinVar aggregate classification (germline): Conflicting classifications of pathogenicity. Review status: criteria provided, conflicting classifications (1 of 4 stars). 5 submissions from 5 submitters: Uncertain significance (4); Likely benign (1). Last evaluated 2026-01-06.

Conditions:
Cardiovascular phenotype. Identifiers: MedGen CN230736.
Long QT syndrome (LQTS). Identifiers: MedGen C0023976, MeSH D008133, MONDO:0002442. Disease mechanism: loss of function. Inheritance: Various modes of inheritance.

Allele frequency attached by ClinVar (database versions not stated): ExAC below 0.00001; gnomAD exomes 0.00001 and 0.00006; TOPMed 0.00002; gnomAD 0.00003.

Submissions (5):

Labcorp Genetics (formerly Invitae), Labcorp
Classification: Uncertain significance for Long QT syndrome. Last evaluated: 2026-01-06. Review status: criteria provided, single submitter. Criteria: Invitae Variant Classification Sherloc (09022015). Collection method: clinical testing. Allele origin: germline.
Comment: This sequence change falls in intron 1 of the CACNA1C gene. It does not directly change the encoded amino acid sequence of the CACNA1C protein. It affects a nucleotide within the consensus splice site. The frequency data for this variant in the population databases is considered unreliable, as metrics indicate poor data quality at this position in the gnomAD database. This variant has not been reported in the literature in individuals affected with CACNA1C-related conditions. ClinVar contains an entry for this variant (Variation ID: 195098). Variants that disrupt the consensus splice site are a relatively common cause of aberrant splicing (PMID: 17576681, 9536098). Algorithms developed to predict the effect of sequence changes on RNA splicing suggest that this variant is not likely to affect RNA splicing. In summary, the available evidence is currently insufficient to determine the role of this variant in disease. Therefore, it has been classified as a Variant of Uncertain Significance.

Ambry Genetics
Classification: Uncertain significance for Cardiovascular phenotype. Last evaluated: 2023-03-08. Review status: criteria provided, single submitter. Criteria: Ambry Variant Classification Scheme 2023. Collection method: clinical testing. Allele origin: germline.
Comment: The c.50-3C>T intronic variant results from a C to T substitution 3 nucleotides upstream from coding exon 2 in the CACNA1C gene. This nucleotide position is well conserved in available vertebrate species. In silico splice site analysis predicts that this alteration will not have any significant effect on splicing. Since supporting evidence is limited at this time, the clinical significance of this alteration remains unclear.

GeneDx
Classification: Likely benign. Last evaluated: 2020-02-12. Review status: criteria provided, single submitter. Criteria: GeneDx Variant Classification Process June 2021. Collection method: clinical testing. Allele origin: germline. Affected: yes.

Laboratorio de Genetica e Diagnostico Molecular, Hospital Israelita Albert Einstein
Classification: Uncertain significance. Last evaluated: 2019-09-11. Review status: criteria provided, single submitter. Criteria: ACMG Guidelines, 2015. Collection method: clinical testing. Allele origin: germline. Affected: yes.
Comment: ACMG classification criteria: PM2

Eurofins Ntd Llc (ga)
Classification: Uncertain significance. Last evaluated: 2014-05-30. Review status: criteria provided, single submitter. Criteria: EGL Classification Definitions 2015. Collection method: clinical testing. Allele origin: germline. Observed: 1 variant allele, 1 heterozygote.

Literature cited by the submitters: PubMed 17576681 (cited by Labcorp Genetics (formerly Invitae), Labcorp); PubMed 9536098 (cited by Labcorp Genetics (formerly Invitae), Labcorp).

NM_000719.7(CACNA1C):c.50-3C>T

Gene: CACNA1C (calcium voltage-gated channel subunit alpha1 C; plus strand). Cytogenetic location: 12p13.33.
Variant type: single nucleotide variant.
Coding change: c.50-3C>T on transcript NM_000719.7 (MANE Select); 3 bases into the intron before coding-DNA position 50, C replaced by T.
Molecular consequence: intron variant.
Genome position (GRCh38, 1-based): chr12:2,115,221, C>T. VCF-style: chr12-2115221-C-T. GRCh37 (hg19) VCF-style: chr12-2224387-C-T.
Other names: c.50-3C>T (NM_001167624.3, NM_001167623.2, NM_001167625.2 and 19 more transcripts).
Identifiers: ClinVar variation 195098 (VCV000195098.21), dbSNP rs780161540, ClinGen allele CA241369.